The following is an entry in ClinVar:

ClinVar aggregate classification (germline): Likely benign (1 of 4 stars; one submission).

gnomAD v4.1: 5 of 1,612,538 alleles (0.00031%); highest among the groups gnomAD compares: Non-Finnish European, 0.00034%; no homozygotes.

Submission:

CeGaT Center for Human Genetics Tuebingen
Classification: Likely benign. Last evaluated: 2025-03-01. Review status: criteria provided, single submitter. Criteria: CeGaT Center For Human Genetics Tuebingen Variant Classification Criteria Version 2. Collection method: clinical testing. Allele origin: germline. Affected: yes. Observed: 1 variant allele.
Comment: TTN: BP4, BP7

NM_001267550.2(TTN):c.11312-4390G>A

Gene: TTN (titin; minus strand). Cytogenetic location: 2q31.2.
Variant type: single nucleotide variant.
Coding change: c.11312-4390G>A on transcript NM_001267550.2 (MANE Select); 4390 bases into the intron before coding-DNA position 11312, G replaced by A.
Molecular consequence: intron variant. On other transcripts: synonymous variant (1).
Genome position (GRCh38, 1-based): chr2:178,746,311, C>T on the plus strand (G>A on the coding strand, the complement: TTN is on the minus strand). VCF-style: chr2-178746311-C-T. GRCh37 (hg19) VCF-style: chr2-179611038-C-T.
Other names: c.16089G>A, p.Glu5363= (NM_133379.5); c.10223-4390G>A (NM_003319.4); c.10799-4390G>A (NM_133437.4); c.10598-4390G>A (NM_133432.3); c.10360+6813G>A (NM_133378.4); c.10361-4390G>A (NM_001256850.1).
Identifiers: ClinVar variation 3778244 (VCV003778244.7).